The following is an entry in ClinVar:

ClinVar aggregate classification (germline): Uncertain significance (1 of 4 stars; one submission).

gnomAD v4.1: 15 of 1,562,506 alleles (0.00096%); highest among the groups gnomAD compares: East Asian, 0.0048%; no homozygotes.

Submission:

Labcorp Genetics (formerly Invitae), Labcorp
Classification: Uncertain significance. Last evaluated: 2025-05-07. Review status: criteria provided, single submitter. Criteria: Invitae Variant Classification Sherloc (09022015). Collection method: clinical testing. Allele origin: germline.
Comment: This sequence change replaces histidine, which is basic and polar, with arginine, which is basic and polar, at codon 240 of the TCIRG1 protein (p.His240Arg). This variant is not present in population databases (gnomAD no frequency). This variant has not been reported in the literature in individuals affected with TCIRG1-related conditions. Invitae Evidence Modeling of protein sequence and biophysical properties (such as structural, functional, and spatial information, amino acid conservation, physicochemical variation, residue mobility, and thermodynamic stability) indicates that this missense variant is not expected to disrupt TCIRG1 protein function with a negative predictive value of 80%. In summary, the available evidence is currently insufficient to determine the role of this variant in disease. Therefore, it has been classified as a Variant of Uncertain Significance.

NM_006019.4(TCIRG1):c.719A>G (p.His240Arg)

Gene: TCIRG1 (T cell immune regulator 1, ATPase H+ transporting V0 subunit a3; plus strand). Cytogenetic location: 11q13.2.
Variant type: single nucleotide variant.
Coding change: c.719A>G on transcript NM_006019.4 (MANE Select); coding-DNA position 719, A replaced by G.
Protein change: p.His240Arg; replaces histidine 240 with arginine.
Molecular consequence: missense variant. On other transcripts: 5 prime UTR variant (1), intron variant (1).
Genome position (GRCh38, 1-based): chr11:68,043,819, A>G. VCF-style: chr11-68043819-A-G. GRCh37 (hg19) VCF-style: chr11-67811286-A-G.
Other names: c.-176A>G (NM_001351059.2); c.719A>G, p.His240Arg (NM_001440552.1, NM_001440553.1, NM_001440554.1 and 4 more transcripts); c.677A>G, p.His226Arg (NM_001440555.1, NM_001440556.1, NM_001440563.1); c.506A>G, p.His169Arg (NM_001440561.1, NM_001440562.1, NM_001440566.1 and 1 more transcripts); c.464A>G, p.His155Arg (NM_001440564.1, NM_001440568.1); c.419A>G, p.His140Arg (NM_001440565.1); c.71A>G, p.His24Arg (NM_006053.4); c.503+788A>G (NM_001440569.1); short protein forms H140R, H155R, H240R, H24R, H169R, H226R.
Identifiers: ClinVar variation 4748365 (VCV004748365.1).